The following is an entry in ClinVar:

NM_000368.5(TSC1):c.2856A>G (p.Lys952=)

Gene: TSC1 (TSC complex subunit 1; minus strand). Cytogenetic location: 9q34.13.
Variant type: single nucleotide variant.
Coding change: c.2856A>G on transcript NM_000368.5 (MANE Select); coding-DNA position 2856, A replaced by G.
Protein change: p.Lys952=; no amino-acid change (lysine 952 retained).
Molecular consequence: synonymous variant. On other transcripts: non-coding transcript variant (5).
Genome position (GRCh38, 1-based): chr9:132,897,303, T>C on the plus strand (A>G on the coding strand, the complement: TSC1 is on the minus strand). VCF-style: chr9-132897303-T-C. GRCh37 (hg19) VCF-style: chr9-135772690-T-C.
Other names: c.2853A>G, p.Lys951= (NM_001162426.2, NM_001406597.1, NM_001406598.1 and 2 more transcripts); c.2703A>G, p.Lys901= (NM_001162427.2, NM_001406610.1); c.2493A>G, p.Lys831= (NM_001362177.2, NM_001406614.1, NM_001406615.1 and 4 more transcripts); c.2856A>G, p.Lys952= (NM_001406592.1, NM_001406593.1, NM_001406594.1 and 2 more transcripts); c.2841A>G, p.Lys947= (NM_001406601.1, NM_001406602.1); c.2838A>G, p.Lys946= (NM_001406603.1, NM_001406604.1); c.2814A>G, p.Lys938= (NM_001406605.1, NM_001406606.1, NM_001406607.1); c.2811A>G, p.Lys937= (NM_001406608.1, NM_001406609.1); and 8 more.
Identifiers: ClinVar variation 4071181 (VCV004071181.1).

ClinVar aggregate classification (germline): Benign (1 of 4 stars; one submission).

Conditions:
Tuberous sclerosis 1 (TSC1). Identifiers: Orphanet 805, MedGen C1854465, MONDO:0008612, OMIM 191100.

gnomAD v4.1: 1 of 1,614,256 alleles (0.000062%); highest among the groups gnomAD compares: South Asian, 0.0011%; no homozygotes.

Submission:

Myriad Genetics, Inc.
Classification: Benign for Tuberous sclerosis 1. Last evaluated: 2025-04-29. Review status: criteria provided, single submitter. Criteria: Myriad Autosomal Dominant, Autosomal Recessive and X-Linked Classification Criteria (2023). Collection method: clinical testing. Allele origin: unknown.
Comment: This variant is considered benign. This variant is a silent/synonymous amino acid change and it is not expected to impact splicing.